The following is an entry in ClinVar:

NM_001330078.2(NRXN1):c.506T>G (p.Leu169Arg)

Gene: NRXN1 (neurexin 1; minus strand). Cytogenetic location: 2p16.3.
Variant type: single nucleotide variant.
Coding change: c.506T>G on transcript NM_001330078.2 (MANE Select); coding-DNA position 506, T replaced by G.
Protein change: p.Leu169Arg; replaces leucine 169 with arginine.
Molecular consequence: missense variant.
Genome position (GRCh38, 1-based): chr2:51,027,768, A>C on the plus strand (T>G on the coding strand, the complement: NRXN1 is on the minus strand). VCF-style: chr2-51027768-A-C. GRCh37 (hg19) VCF-style: chr2-51254906-A-C.
Other names: c.506T>G, p.Leu169Arg (NM_001135659.3, NM_001330077.2, NM_001330079.2 and 15 more transcripts); short protein forms L169R.
Identifiers: ClinVar variation 3727372 (VCV003727372.2).

ClinVar aggregate classification (germline): Uncertain significance (1 of 4 stars; one submission).

Conditions:
Pitt-Hopkins-like syndrome 2 (PTHSL2). Identifiers: Orphanet 221150, Orphanet 600663, MedGen C3280479, MONDO:0013690, OMIM 614325.

Submission:

Labcorp Genetics (formerly Invitae), Labcorp
Classification: Uncertain significance for Pitt-Hopkins-like syndrome 2. Last evaluated: 2024-09-11. Review status: criteria provided, single submitter. Criteria: Invitae Variant Classification Sherloc (09022015). Collection method: clinical testing. Allele origin: germline.
Comment: This sequence change replaces leucine, which is neutral and non-polar, with arginine, which is basic and polar, at codon 169 of the NRXN1 protein (p.Leu169Arg). This variant is not present in population databases (gnomAD no frequency). This variant has not been reported in the literature in individuals affected with NRXN1-related conditions. An algorithm developed to predict the effect of missense changes on protein structure and function (PolyPhen-2) suggests that this variant is likely to be tolerated. In summary, the available evidence is currently insufficient to determine the role of this variant in disease. Therefore, it has been classified as a Variant of Uncertain Significance.